The following is an entry in ClinVar:

NM_014639.4(SKIC3):c.479G>A (p.Trp160Ter)

Gene: SKIC3 (SKI3 subunit of superkiller complex; minus strand). Cytogenetic location: 5q15.
Variant type: single nucleotide variant.
Coding change: c.479G>A on transcript NM_014639.4 (MANE Select); coding-DNA position 479, G replaced by A.
Protein change: p.Trp160Ter; replaces tryptophan 160 with a stop codon.
Molecular consequence: nonsense.
Genome position (GRCh38, 1-based): chr5:95,540,754, C>T on the plus strand (G>A on the coding strand, the complement: SKIC3 is on the minus strand). VCF-style: chr5-95540754-C-T. GRCh37 (hg19) VCF-style: chr5-94876458-C-T.
Other names: short protein forms W160*.
Identifiers: ClinVar variation 3005617 (VCV003005617.3), dbSNP rs2530802502, ClinGen allele CA360443303.

ClinVar aggregate classification (germline): Pathogenic (1 of 4 stars; one submission).

Submission:

Labcorp Genetics (formerly Invitae), Labcorp
Classification: Pathogenic. Last evaluated: 2023-01-31. Review status: criteria provided, single submitter. Criteria: Invitae Variant Classification Sherloc (09022015). Collection method: clinical testing. Allele origin: germline.
Comment: For these reasons, this variant has been classified as Pathogenic. This variant has not been reported in the literature in individuals affected with TTC37-related conditions. This variant is not present in population databases (gnomAD no frequency). This sequence change creates a premature translational stop signal (p.Trp160*) in the TTC37 gene. It is expected to result in an absent or disrupted protein product. Loss-of-function variants in TTC37 are known to be pathogenic (PMID: 20176027, 21120949).

Literature cited by the submitters: PubMed 20176027; PubMed 21120949.